The following is an entry in ClinVar:

ClinVar aggregate classification (germline): Benign/Likely benign. Review status: criteria provided, multiple submitters, no conflicts (2 of 4 stars). 2 submissions from 2 submitters: Benign (1); Likely benign (1). Last evaluated 2026-09-18.

Conditions:
Colorectal cancer, hereditary nonpolyposis, type 7. Identifiers: Orphanet 144, MedGen C1858380, MONDO:0013725, OMIM 614385.

Allele frequency attached by ClinVar (database versions not stated): gnomAD 0.00001; gnomAD exomes below 0.00001; TOPMed 0.00001.
gnomAD v4.1: 3 of 1,614,022 alleles (0.00019%); highest among the groups gnomAD compares: African/African-American, 0.0027%; no homozygotes.

Submissions (2):

Myriad Genetics, Inc.
Classification: Benign for Colorectal cancer, hereditary nonpolyposis, type 7. Last evaluated: 2026-09-18. Review status: criteria provided, single submitter. Criteria: Myriad Autosomal Dominant, Autosomal Recessive and X-Linked Classification Criteria (2023). Collection method: clinical testing. Allele origin: unknown.
Comment: This variant is considered benign. This variant is a silent/synonymous amino acid change and it is not expected to impact splicing.

Ambry Genetics
Classification: Likely benign. Last evaluated: 2022-10-15. Review status: criteria provided, single submitter. Criteria: Ambry Variant Classification Scheme 2023. Collection method: clinical testing. Allele origin: germline.

NM_001040108.2(MLH3):c.4029A>C (p.Gly1343=)

Gene: MLH3 (mutL homolog 3; minus strand). Cytogenetic location: 14q24.3.
Variant type: single nucleotide variant.
Coding change: c.4029A>C on transcript NM_001040108.2 (MANE Select); coding-DNA position 4029, A replaced by C.
Protein change: p.Gly1343=; no amino-acid change (glycine 1343 retained).
Molecular consequence: synonymous variant.
Genome position (GRCh38, 1-based): chr14:75,022,875, T>G on the plus strand (A>C on the coding strand, the complement: MLH3 is on the minus strand). VCF-style: chr14-75022875-T-G. GRCh37 (hg19) VCF-style: chr14-75489578-T-G.
Other names: c.3957A>C, p.Gly1319= (NM_014381.3).
Identifiers: ClinVar variation 1737159 (VCV001737159.3), dbSNP rs1413093895, ClinGen allele CA487175436.